The following is an entry in ClinVar:

NM_003824.4(FADD):c.349C>T (p.Arg117Cys)

Gene: FADD (Fas associated via death domain; plus strand). Cytogenetic location: 11q13.3.
Variant type: single nucleotide variant.
Coding change: c.349C>T on transcript NM_003824.4 (MANE Select); coding-DNA position 349, C replaced by T.
Protein change: p.Arg117Cys; replaces arginine 117 with cysteine.
Molecular consequence: missense variant.
Genome position (GRCh38, 1-based): chr11:70,206,195, C>T. VCF-style: chr11-70206195-C-T. GRCh37 (hg19) VCF-style: chr11-70052301-C-T.
Other names: short protein forms R117C.
Identifiers: ClinVar variation 2188612 (VCV002188612.4), dbSNP rs2497603453, ClinGen allele CA381666012.

ClinVar aggregate classification (germline): Uncertain significance (1 of 4 stars; one submission).

Conditions:
FADD-related immunodeficiency. Also called: FADD DEFICIENCY; Infections, recurrent, with encephalopathy, hepatic dysfunction, and cardiovascular malformations. Identifiers: Orphanet 306550, MedGen C3151062, MONDO:0013408, OMIM 613759.

Allele frequency attached by ClinVar (database versions not stated): gnomAD exomes 0.00001.
gnomAD v4.1: 6 of 1,614,138 alleles (0.00037%); highest among the groups gnomAD compares: Non-Finnish European, 0.00051%; no homozygotes.

Submission:

Labcorp Genetics (formerly Invitae), Labcorp
Classification: Uncertain significance for FADD-related immunodeficiency. Last evaluated: 2022-05-31. Review status: criteria provided, single submitter. Criteria: Invitae Variant Classification Sherloc (09022015). Collection method: clinical testing. Allele origin: germline.
Comment: Algorithms developed to predict the effect of missense changes on protein structure and function (SIFT, PolyPhen-2, Align-GVGD) all suggest that this variant is likely to be disruptive. This variant has not been reported in the literature in individuals affected with FADD-related conditions. This variant is not present in population databases (gnomAD no frequency). This sequence change replaces arginine, which is basic and polar, with cysteine, which is neutral and slightly polar, at codon 117 of the FADD protein (p.Arg117Cys). In summary, the available evidence is currently insufficient to determine the role of this variant in disease. Therefore, it has been classified as a Variant of Uncertain Significance.